The following is an entry in ClinVar:

NM_015040.4(PIKFYVE):c.6067C>T (p.Arg2023Ter)

Gene: PIKFYVE (phosphoinositide kinase, FYVE-type zinc finger containing; plus strand). Cytogenetic location: 2q34.
Variant type: single nucleotide variant.
Coding change: c.6067C>T on transcript NM_015040.4 (MANE Select); coding-DNA position 6067, C replaced by T.
Protein change: p.Arg2023Ter; replaces arginine 2023 with a stop codon.
Molecular consequence: nonsense.
Genome position (GRCh38, 1-based): chr2:208,354,120, C>T. VCF-style: chr2-208354120-C-T. GRCh37 (hg19) VCF-style: chr2-209218844-C-T.
Other names: short protein forms R2023*.
Identifiers: ClinVar variation 5021449 (VCV005021449.1).

ClinVar aggregate classification (germline): Likely pathogenic (1 of 4 stars; one submission).

Conditions:
Corneal dystrophy. Identifiers: Orphanet 34533, MedGen C0010036, MONDO:0018102, HP:0001131.

gnomAD v4.1: 7 of 1,613,522 alleles (0.00043%); highest among the groups gnomAD compares: Admixed American, 0.0017%; no homozygotes.

Submission:

North West Genomic Laboratory Hub, Manchester University NHS Foundation Trust
Classification: Likely pathogenic for Corneal dystrophy. Last evaluated: 2025-07-22. Review status: criteria provided, single submitter. Criteria: ACGS Best Practice Guidelines for Variant Classification in Rare Disease 2024. Collection method: clinical testing. Allele origin: germline. Affected: yes.
Comment: PM2_Supp PVS1_VStr